The following is an entry in ClinVar:

ClinVar aggregate classification (germline): Uncertain significance (1 of 4 stars; one submission).

Conditions:
Emery-Dreifuss muscular dystrophy (EDMD). Also called: Scapuloperoneal syndrome, X-linked (formerly); Humeroperoneal neuromuscular disease, (formerly). Identifiers: Orphanet 261, MedGen C0410189, MONDO:0016830.

Allele frequency attached by ClinVar (database versions not stated): gnomAD exomes 0.00002.
gnomAD v4.1: 17 of 1,613,390 alleles (0.0011%); highest among the groups gnomAD compares: South Asian, 0.0055%; no homozygotes.

Submission:

Labcorp Genetics (formerly Invitae), Labcorp
Classification: Uncertain significance for Emery-Dreifuss muscular dystrophy. Last evaluated: 2025-06-18. Review status: criteria provided, single submitter. Criteria: Invitae Variant Classification Sherloc (09022015). Collection method: clinical testing. Allele origin: germline.
Comment: This sequence change replaces arginine, which is basic and polar, with tryptophan, which is neutral and slightly polar, at codon 311 of the SUN2 protein (p.Arg311Trp). This variant is present in population databases (rs764150835, gnomAD 0.005%). This variant has not been reported in the literature in individuals affected with SUN2-related conditions. ClinVar contains an entry for this variant (Variation ID: 1379900). An algorithm developed to predict the effect of missense changes on protein structure and function outputs the following: PolyPhen-2: "Benign". The tryptophan amino acid residue is found in multiple mammalian species, which suggests that this missense change does not adversely affect protein function. In summary, the available evidence is currently insufficient to determine the role of this variant in disease. Therefore, it has been classified as a Variant of Uncertain Significance.

NM_015374.3(SUN2):c.931C>T (p.Arg311Trp)

Genes: GTPBP1 (GTP binding protein 1; plus strand), SUN2 (Sad1 and UNC84 domain containing 2; minus strand). Cytogenetic location: 22q13.1.
Variant type: single nucleotide variant.
Coding change: c.931C>T on transcript NM_015374.3 (MANE Select); coding-DNA position 931, C replaced by T.
Protein change: p.Arg311Trp; replaces arginine 311 with tryptophan.
Molecular consequence: missense variant. On other transcripts: intron variant (3).
Genome position (GRCh38, 1-based): chr22:38,742,438, G>A on the plus strand (C>T on the coding strand, the complement: SUN2 is on the minus strand). VCF-style: chr22-38742438-G-A. GRCh37 (hg19) VCF-style: chr22-39138443-G-A.
Other names: c.994C>T, p.Arg332Trp (NM_001199579.2, NM_001394428.1); c.931C>T, p.Arg311Trp (NM_001199580.2, NM_001394431.1, NM_001394432.1 and 5 more transcripts); c.1024C>T, p.Arg342Trp (NM_001394427.1); c.976C>T, p.Arg326Trp (NM_001394429.1, NM_001394430.1); c.841C>T, p.Arg281Trp (NM_001394438.1); c.793C>T, p.Arg265Trp (NM_001394439.1, NM_001394440.1, NM_001394441.1); c.439C>T, p.Arg147Trp (NM_001394443.1); c.615-2006C>T (NM_001394444.1, NM_001394445.1); and 1 more; short protein forms R281W, R332W, R342W, R147W, R326W, R265W, R311W.
Identifiers: ClinVar variation 1379900 (VCV001379900.8), dbSNP rs764150835, ClinGen allele CA10235714.